The following is an entry in ClinVar:

NM_001384732.1(CPLANE1):c.709C>T (p.Gln237Ter)

Gene: CPLANE1 (ciliogenesis and planar polarity effector complex subunit 1; minus strand). Cytogenetic location: 5p13.2.
Variant type: single nucleotide variant.
Coding change: c.709C>T on transcript NM_001384732.1 (MANE Select); coding-DNA position 709, C replaced by T.
Protein change: p.Gln237Ter; replaces glutamine 237 with a stop codon.
Molecular consequence: nonsense.
Genome position (GRCh38, 1-based): chr5:37,239,838, G>A on the plus strand (C>T on the coding strand, the complement: CPLANE1 is on the minus strand). VCF-style: chr5-37239838-G-A. GRCh37 (hg19) VCF-style: chr5-37239940-G-A.
Other names: c.709C>T, p.Gln237Ter (NM_023073.4); short protein forms Q237*.
Identifiers: ClinVar variation 570888 (VCV000570888.8), dbSNP rs957588958, ClinGen allele CA117066276.
Genomic context (GRCh38, chr5:37,239,838, plus strand): 5'-GAGCTCCTCTTGACTTTACTGATTCACATTTAGGAATTAAACTACAGAGATGACAGTCTT[G>A]TTGAGCCCAATGAACATGGTATGGCAATGATCTAAAAAAGTAATGAAATAATTGAAAACA-3'

ClinVar aggregate classification (germline): Pathogenic (1 of 4 stars; one submission).

Allele frequency attached by ClinVar (database versions not stated): gnomAD 0.00001; TOPMed 0.00001.
gnomAD v4.1: 2 of 1,530,222 alleles (0.00013%); highest among the groups gnomAD compares: African/African-American, 0.0028%; no homozygotes.

Submission:

Labcorp Genetics (formerly Invitae), Labcorp
Classification: Pathogenic. Last evaluated: 2019-05-04. Review status: criteria provided, single submitter. Criteria: Invitae Variant Classification Sherloc (09022015). Collection method: clinical testing. Allele origin: germline.
Comment: This sequence change creates a premature translational stop signal (p.Gln237*) in the C5orf42 gene. It is expected to result in an absent or disrupted protein product. This variant is not present in population databases (ExAC no frequency). This variant has not been reported in the literature in individuals with C5orf42-related disease. Loss-of-function variants in C5orf42 are known to be pathogenic (PMID: 22425360). For these reasons, this variant has been classified as Pathogenic.

Literature cited by the submitters: PubMed 22425360.